The following is an entry in ClinVar:

NM_001854.4(COL11A1):c.3168+5G>C

Gene: COL11A1 (collagen type XI alpha 1 chain; minus strand). Cytogenetic location: 1p21.1.
Variant type: single nucleotide variant.
Coding change: c.3168+5G>C on transcript NM_001854.4 (MANE Select); 5 bases into the intron after coding-DNA position 3168, G replaced by C.
Molecular consequence: intron variant.
Genome position (GRCh38, 1-based): chr1:102,961,861, C>G on the plus strand (G>C on the coding strand, the complement: COL11A1 is on the minus strand). VCF-style: chr1-102961861-C-G. GRCh37 (hg19) VCF-style: chr1-103427417-C-G.
Other names: c.3051+5G>C (NM_001190709.2); c.3204+5G>C (NM_080629.3); c.2820+5G>C (NM_080630.4).
Identifiers: ClinVar variation 3676997 (VCV003676997.2).

ClinVar aggregate classification (germline): Pathogenic (1 of 4 stars; one submission).

Submission:

Labcorp Genetics (formerly Invitae), Labcorp
Classification: Pathogenic. Last evaluated: 2025-01-29. Review status: criteria provided, single submitter. Criteria: Invitae Variant Classification Sherloc (09022015). Collection method: clinical testing. Allele origin: germline.
Comment: This sequence change falls in intron 41 of the COL11A1 gene. It does not directly change the encoded amino acid sequence of the COL11A1 protein. It affects a nucleotide within the consensus splice site. This variant is not present in population databases (gnomAD no frequency). This variant has been observed in individual(s) with autosomal dominant Stickler syndrome (PMID: 33348901). In at least one individual the variant was observed to be de novo. Variants that disrupt the consensus splice site are a relatively common cause of aberrant splicing (PMID: 17576681, 9536098). Algorithms developed to predict the effect of sequence changes on RNA splicing suggest that this variant may disrupt the consensus splice site. For these reasons, this variant has been classified as Pathogenic.

Literature cited by the submitters: PubMed 33348901; PubMed 17576681; PubMed 9536098.